The following is an entry in ClinVar:

NM_182961.4(SYNE1):c.154G>A (p.Asp52Asn)

Gene: SYNE1 (spectrin repeat containing nuclear envelope protein 1; minus strand). Cytogenetic location: 6q25.2.
Variant type: single nucleotide variant.
Coding change: c.154G>A on transcript NM_182961.4 (MANE Select); coding-DNA position 154, G replaced by A.
Protein change: p.Asp52Asn; replaces aspartic acid 52 with asparagine.
Molecular consequence: missense variant.
Genome position (GRCh38, 1-based): chr6:152,526,151, C>T on the plus strand (G>A on the coding strand, the complement: SYNE1 is on the minus strand). VCF-style: chr6-152526151-C-T. GRCh37 (hg19) VCF-style: chr6-152847286-C-T.
Other names: c.154G>A, p.Asp52Asn (NM_033071.5); short protein forms D52N.
Identifiers: ClinVar variation 586714 (VCV000586714.6), dbSNP rs560155321, ClinGen allele CA4059854.

ClinVar aggregate classification (germline): Uncertain significance. Review status: criteria provided, multiple submitters, no conflicts (2 of 4 stars). 2 submissions from 2 submitters: Uncertain significance (2). Last evaluated 2022-07-23.

Conditions:
Emery-Dreifuss muscular dystrophy 4, autosomal dominant (EDMD4). Also called: EMERY-DREIFUSS MUSCULAR DYSTROPHY 4 WITH VARIABLE FEATURES. Identifiers: Orphanet 261, MedGen C2751807, MONDO:0013071, OMIM 612998.
Autosomal recessive ataxia, Beauce type. Also called: SYNE1-Related Autosomal Recessive Cerebellar Ataxia; Spinocerebellar ataxia, autosomal recessive 8; ATAXIA, RECESSIVE, OF BEAUCE; SYNE1 Deficiency. Identifiers: Orphanet 88644, MedGen C1853116, MONDO:0012549, OMIM 610743.

Allele frequency attached by ClinVar (database versions not stated): TOPMed below 0.00001; ExAC 0.00001; gnomAD exomes below 0.00001.

Submissions (2):

Labcorp Genetics (formerly Invitae), Labcorp
Classification: Uncertain significance for Emery-Dreifuss muscular dystrophy 4, autosomal dominant; Autosomal recessive ataxia, Beauce type. Last evaluated: 2022-07-23. Review status: criteria provided, single submitter. Criteria: Invitae Variant Classification Sherloc (09022015). Collection method: clinical testing. Allele origin: germline.
Comment: This sequence change replaces aspartic acid, which is acidic and polar, with asparagine, which is neutral and polar, at codon 52 of the SYNE1 protein (p.Asp52Asn). This variant is present in population databases (rs560155321, gnomAD 0.007%). This variant has not been reported in the literature in individuals affected with SYNE1-related conditions. ClinVar contains an entry for this variant (Variation ID: 586714). Algorithms developed to predict the effect of missense changes on protein structure and function are either unavailable or do not agree on the potential impact of this missense change (SIFT: "Deleterious"; PolyPhen-2: "Probably Damaging"; Align-GVGD: "Class C0"). In summary, the available evidence is currently insufficient to determine the role of this variant in disease. Therefore, it has been classified as a Variant of Uncertain Significance.

Athena Diagnostics
Classification: Uncertain significance. Last evaluated: 2018-01-29. Review status: criteria provided, single submitter. Criteria: Athena Diagnostics Criteria. Collection method: clinical testing. Allele origin: germline.